The following is an entry in ClinVar:

NM_000285.4(PEPD):c.1103T>G (p.Leu368Arg)

Gene: PEPD (peptidase D; minus strand). Cytogenetic location: 19q13.11.
Variant type: single nucleotide variant.
Coding change: c.1103T>G on transcript NM_000285.4 (MANE Select); coding-DNA position 1103, T replaced by G.
Protein change: p.Leu368Arg; replaces leucine 368 with arginine.
Molecular consequence: missense variant.
Genome position (GRCh38, 1-based): chr19:33,391,344, A>C on the plus strand (T>G on the coding strand, the complement: PEPD is on the minus strand). VCF-style: chr19-33391344-A-C. GRCh37 (hg19) VCF-style: chr19-33882250-A-C.
Other names: c.980T>G, p.Leu327Arg (NM_001166056.2); c.911T>G, p.Leu304Arg (NM_001166057.2); short protein forms L368R, L327R, L304R.
Identifiers: ClinVar variation 209998 (VCV000209998.7), dbSNP rs797045185, ClinGen allele CA347422.
Genomic context (GRCh38, chr19:33,391,344, plus strand): 5'-TCCACACTGACCTCTGGGTAGCCTCCCACGTCGTGCACGTCAATGCCCAGGAAGTGGCCA[A>C]GCCCGTGAGGCATAAACACGGCCCCCAGGTGAGCCTGGACCATGGCGTCCACGCTGCCGC-3'
Protein context (NP_000276.2, residues 358-378): HLGAVFMPHG[Leu368Arg]GHFLGIDVHD

ClinVar aggregate classification (germline): Pathogenic/Likely pathogenic. Review status: criteria provided, multiple submitters, no conflicts (2 of 4 stars). 3 submissions from 3 submitters: Pathogenic (1); Likely pathogenic (1). 1 of the submissions does not count toward it. Last evaluated 2026-01-06.

Conditions:
Prolidase deficiency. Identifiers: Orphanet 742, MedGen C0268532, MONDO:0008221, OMIM 170100.

gnomAD v4.1: 5 of 1,611,622 alleles (0.00031%); highest among the groups gnomAD compares: Non-Finnish European, 0.00042%; no homozygotes.

Submissions (3):

Women's Health and Genetics/Laboratory Corporation of America, LabCorp
Classification: Pathogenic for Prolidase deficiency. Last evaluated: 2026-01-06. Review status: criteria provided, single submitter. Criteria: LabCorp Variant Classification Summary - May 2015. Collection method: clinical testing. Allele origin: germline.
Comment: Variant summary: PEPD c.1103T>G (p.Leu368Arg) results in a non-conservative amino acid change in the encoded protein sequence. Algorithms developed to predict the effect of missense changes on protein structure and function all suggest that this variant is likely to be disruptive. The variant was absent in 243928 control chromosomes. c.1103T>G has been observed in multiple individuals affected with Prolidase Deficiency (example: Falik-Zaccai_2010, Eker_2024). These data indicate that the variant is very likely to be associated with disease. The following publications have been ascertained in the context of this evaluation (PMID: 19308961, 39119447). ClinVar contains an entry for this variant (Variation ID: 209998). Based on the evidence outlined above, the variant was classified as pathogenic.

Labcorp Genetics (formerly Invitae), Labcorp
Classification: Likely pathogenic. Last evaluated: 2023-11-28. Review status: criteria provided, single submitter. Criteria: Invitae Variant Classification Sherloc (09022015). Collection method: clinical testing. Allele origin: germline.
Comment: This sequence change replaces leucine, which is neutral and non-polar, with arginine, which is basic and polar, at codon 368 of the PEPD protein (p.Leu368Arg). This variant is not present in population databases (gnomAD no frequency). This missense change has been observed in individual(s) with prolidase deficiency (PMID: 19308961). It has also been observed to segregate with disease in related individuals. ClinVar contains an entry for this variant (Variation ID: 209998). Advanced modeling of protein sequence and biophysical properties (such as structural, functional, and spatial information, amino acid conservation, physicochemical variation, residue mobility, and thermodynamic stability) performed at Invitae indicates that this missense variant is expected to disrupt PEPD protein function with a positive predictive value of 80%. In summary, the currently available evidence indicates that the variant is pathogenic, but additional data are needed to prove that conclusively. Therefore, this variant has been classified as Likely Pathogenic.

GeneReviews
No classification provided. Condition: Prolidase deficiency. Review status: no classification provided. Collection method: literature only. Allele origin: germline. Affected: yes. Not counted in ClinVar's aggregate classification.

Literature cited by the submitters: PubMed 19308961 (cited by 3 submitters); PubMed 39119447 (cited by Women's Health and Genetics/Laboratory Corporation of America, LabCorp); NCBI Bookshelf NBK299584 (cited by GeneReviews).